The following is an entry in ClinVar:

ClinVar aggregate classification (germline): Uncertain significance. Review status: criteria provided, multiple submitters, no conflicts (2 of 4 stars). 3 submissions from 3 submitters: Uncertain significance (3). Last evaluated 2025-04-23.

Conditions:
Inborn genetic diseases. Identifiers: MedGen C0950123, MeSH D030342.
Multiple epiphyseal dysplasia type 5 (EDM5). Also called: MATN3-Related Multiple Epiphyseal Dysplasia; Microepiphyseal dysplasia, bilateral hereditary. Identifiers: Orphanet 93311, MedGen C1846843, MONDO:0011765, OMIM 607078.

Allele frequency attached by ClinVar (database versions not stated): ESP Exome Variant Server 0.00008; gnomAD exomes 0.00008; ExAC 0.00009; gnomAD 0.00009 and 0.00010; TOPMed 0.00011.
gnomAD v4.1: 96 of 1,613,900 alleles (0.0059%); highest among the groups gnomAD compares: Non-Finnish European, 0.0077%; no homozygotes.

Submissions (3):

Labcorp Genetics (formerly Invitae), Labcorp
Classification: Uncertain significance. Last evaluated: 2025-04-23. Review status: criteria provided, single submitter. Criteria: Invitae Variant Classification Sherloc (09022015). Collection method: clinical testing. Allele origin: germline.
Comment: This sequence change replaces threonine, which is neutral and polar, with proline, which is neutral and non-polar, at codon 175 of the MATN3 protein (p.Thr175Pro). This variant is present in population databases (rs370381391, gnomAD 0.02%). This variant has not been reported in the literature in individuals affected with MATN3-related conditions. ClinVar contains an entry for this variant (Variation ID: 895423). Invitae Evidence Modeling of protein sequence and biophysical properties (such as structural, functional, and spatial information, amino acid conservation, physicochemical variation, residue mobility, and thermodynamic stability) indicates that this missense variant is not expected to disrupt MATN3 protein function with a negative predictive value of 80%. In summary, the available evidence is currently insufficient to determine the role of this variant in disease. Therefore, it has been classified as a Variant of Uncertain Significance.

Ambry Genetics
Classification: Uncertain significance for Inborn genetic diseases. Last evaluated: 2022-12-16. Review status: criteria provided, single submitter. Criteria: Ambry Variant Classification Scheme 2023. Collection method: clinical testing. Allele origin: germline.

Illumina Laboratory Services, Illumina
Classification: Uncertain significance for Multiple epiphyseal dysplasia type 5. Last evaluated: 2017-04-27. Review status: criteria provided, single submitter. Criteria: ICSL Variant Classification Criteria 13 December 2019. Collection method: clinical testing. Allele origin: germline.

NM_002381.5(MATN3):c.523A>C (p.Thr175Pro)

Gene: MATN3 (matrilin 3; minus strand). Cytogenetic location: 2p24.1.
Variant type: single nucleotide variant.
Coding change: c.523A>C on transcript NM_002381.5 (MANE Select); coding-DNA position 523, A replaced by C.
Protein change: p.Thr175Pro; replaces threonine 175 with proline.
Molecular consequence: missense variant.
Genome position (GRCh38, 1-based): chr2:20,006,011, T>G on the plus strand (A>C on the coding strand, the complement: MATN3 is on the minus strand). VCF-style: chr2-20006011-T-G. GRCh37 (hg19) VCF-style: chr2-20205772-T-G.
Other names: short protein forms T175P.
Identifiers: ClinVar variation 895423 (VCV000895423.12), dbSNP rs370381391, ClinGen allele CA1543957.